The following is an entry in ClinVar:

ClinVar aggregate classification (germline): Uncertain significance (1 of 4 stars; one submission).

Conditions:
Propionic acidemia (PROP). Also called: KETOTIC HYPERGLYCINEMIA; GLYCINEMIA, KETOTIC; HYPERGLYCINEMIA WITH KETOACIDOSIS AND LEUKOPENIA. Identifiers: Orphanet 35, MedGen C0268579, MONDO:0011628, OMIM 606054, HP:0003571.

Allele frequency attached by ClinVar (database versions not stated): gnomAD exomes below 0.00001; TOPMed below 0.00001.
gnomAD v4.1: 1 of 1,613,158 alleles (0.000062%); highest among the groups gnomAD compares: Non-Finnish European, 0.000085%; no homozygotes.

Submission:

Labcorp Genetics (formerly Invitae), Labcorp
Classification: Uncertain significance for Propionic acidemia. Last evaluated: 2021-08-02. Review status: criteria provided, single submitter. Criteria: Invitae Variant Classification Sherloc (09022015). Collection method: clinical testing. Allele origin: germline.
Comment: This sequence change replaces phenylalanine with valine at codon 345 of the PCCA protein (p.Phe345Val). The phenylalanine residue is highly conserved and there is a small physicochemical difference between phenylalanine and valine. This variant is not present in population databases (ExAC no frequency). This variant has not been reported in the literature in individuals affected with PCCA-related conditions. Advanced modeling of protein sequence and biophysical properties (such as structural, functional, and spatial information, amino acid conservation, physicochemical variation, residue mobility, and thermodynamic stability) performed at Invitae indicates that this missense variant is expected to disrupt PCCA protein function. In summary, the available evidence is currently insufficient to determine the role of this variant in disease. Therefore, it has been classified as a Variant of Uncertain Significance.

NM_000282.4(PCCA):c.1033T>G (p.Phe345Val)

Gene: PCCA (propionyl-CoA carboxylase subunit alpha; plus strand). Cytogenetic location: 13q32.3.
Variant type: single nucleotide variant.
Coding change: c.1033T>G on transcript NM_000282.4 (MANE Select); coding-DNA position 1033, T replaced by G.
Protein change: p.Phe345Val; replaces phenylalanine 345 with valine.
Molecular consequence: missense variant. On other transcripts: non-coding transcript variant (5).
Genome position (GRCh38, 1-based): chr13:100,273,314, T>G. VCF-style: chr13-100273314-T-G. GRCh37 (hg19) VCF-style: chr13-100925568-T-G.
Other names: c.955T>G, p.Phe319Val (NM_001127692.3, NM_001352607.2, NM_001352608.2); c.1033T>G, p.Phe345Val (NM_001178004.2, NM_001352605.2, NM_001352606.2 and 1 more transcripts); c.88T>G, p.Phe30Val (NM_001352610.2, NM_001352611.2, NM_001352612.2); short protein forms F345V, F30V, F319V.
Identifiers: ClinVar variation 1352083 (VCV001352083.3), dbSNP rs1014756935, ClinGen allele CA255984123.